The following is an entry in ClinVar:

NM_031935.3(HMCN1):c.8608A>G (p.Ile2870Val)

Gene: HMCN1 (hemicentin 1; plus strand). Cytogenetic location: 1q31.1.
Variant type: single nucleotide variant.
Coding change: c.8608A>G on transcript NM_031935.3 (MANE Select); coding-DNA position 8608, A replaced by G.
Protein change: p.Ile2870Val; replaces isoleucine 2870 with valine.
Molecular consequence: missense variant.
Genome position (GRCh38, 1-based): chr1:186,081,215, A>G. VCF-style: chr1-186081215-A-G. GRCh37 (hg19) VCF-style: chr1-186050347-A-G.
Other names: short protein forms I2870V.
Identifiers: ClinVar variation 3668010 (VCV003668010.2).

ClinVar aggregate classification (germline): Uncertain significance (1 of 4 stars; one submission).

gnomAD v4.1: 3 of 1,613,548 alleles (0.00019%); highest among the groups gnomAD compares: South Asian, 0.0022%; no homozygotes.

Submission:

Labcorp Genetics (formerly Invitae), Labcorp
Classification: Uncertain significance. Last evaluated: 2025-01-26. Review status: criteria provided, single submitter. Criteria: Invitae Variant Classification Sherloc (09022015). Collection method: clinical testing. Allele origin: germline.
Comment: This sequence change replaces isoleucine, which is neutral and non-polar, with valine, which is neutral and non-polar, at codon 2870 of the HMCN1 protein (p.Ile2870Val). This variant is present in population databases (no rsID available, gnomAD 0.003%). This variant has not been reported in the literature in individuals affected with HMCN1-related conditions. An algorithm developed to predict the effect of missense changes on protein structure and function outputs the following: PolyPhen-2: "Benign". The valine amino acid residue is found in multiple mammalian species, which suggests that this missense change does not adversely affect protein function. In summary, the available evidence is currently insufficient to determine the role of this variant in disease. Therefore, it has been classified as a Variant of Uncertain Significance.